The following is an entry in ClinVar:

ClinVar aggregate classification (germline): Conflicting classifications of pathogenicity. Review status: criteria provided, conflicting classifications (1 of 4 stars). 3 submissions from 3 submitters: Uncertain significance (2); Likely benign (1). Last evaluated 2024-12-03.

Conditions:
Cardiovascular phenotype. Identifiers: MedGen CN230736.

Allele frequency attached by ClinVar (database versions not stated): ExAC 0.00006; 1000 Genomes Project 0.00060; 1000 Genomes Project 30x 0.00062.
gnomAD v4.1: 34 of 1,550,394 alleles (0.0022%); highest among the groups gnomAD compares: Admixed American, 0.049%; no homozygotes.

Submissions (3):

Women's Health and Genetics/Laboratory Corporation of America, LabCorp
Classification: Uncertain significance. Last evaluated: 2024-12-03. Review status: criteria provided, single submitter. Criteria: LabCorp Variant Classification Summary - May 2015. Collection method: clinical testing. Allele origin: germline.
Comment: Variant summary: ZNF469 c.2572C>A (p.Pro858Thr) results in a non-conservative amino acid change in the encoded protein sequence. Two of four in-silico tools predict a benign effect of the variant on protein function. The variant allele was found at a frequency of 7.3e-05 in 151364 control chromosomes. This frequency is not significantly higher than estimated for a pathogenic variant in ZNF469 causing Brittle cornea syndrome 1, allowing no conclusion about variant significance. To our knowledge, no occurrence of c.2572C>A in individuals affected with Brittle cornea syndrome 1 and no experimental evidence demonstrating its impact on protein function have been reported. ClinVar contains an entry for this variant (Variation ID: 2062602). Based on the evidence outlined above, the variant was classified as uncertain significance.

Ambry Genetics
Classification: Likely benign for Cardiovascular phenotype. Last evaluated: 2024-03-15. Review status: criteria provided, single submitter. Criteria: Ambry Variant Classification Scheme 2023. Collection method: clinical testing. Allele origin: germline.

Labcorp Genetics (formerly Invitae), Labcorp
Classification: Uncertain significance. Last evaluated: 2022-09-06. Review status: criteria provided, single submitter. Criteria: Invitae Variant Classification Sherloc (09022015). Collection method: clinical testing. Allele origin: germline.
Comment: This sequence change replaces proline, which is neutral and non-polar, with threonine, which is neutral and polar, at codon 858 of the ZNF469 protein (p.Pro858Thr). This variant is present in population databases (rs181719686, gnomAD 0.05%). This variant has not been reported in the literature in individuals affected with ZNF469-related conditions. Algorithms developed to predict the effect of missense changes on protein structure and function are either unavailable or do not agree on the potential impact of this missense change (SIFT: "Deleterious"; PolyPhen-2: "Probably Damaging"; Align-GVGD: "Class C0"). In summary, the available evidence is currently insufficient to determine the role of this variant in disease. Therefore, it has been classified as a Variant of Uncertain Significance.

NM_001367624.2(ZNF469):c.2572C>A (p.Pro858Thr)

Gene: ZNF469 (zinc finger protein 469; plus strand). Cytogenetic location: 16q24.2.
Variant type: single nucleotide variant.
Coding change: c.2572C>A on transcript NM_001367624.2 (MANE Select); coding-DNA position 2572, C replaced by A.
Protein change: p.Pro858Thr; replaces proline 858 with threonine.
Molecular consequence: missense variant.
Genome position (GRCh38, 1-based): chr16:88,430,042, C>A. VCF-style: chr16-88430042-C-A. GRCh37 (hg19) VCF-style: chr16-88496450-C-A.
Other names: NM_001127464.1:c.2572C>A; short protein forms P858T.
Identifiers: ClinVar variation 2062602 (VCV002062602.5), dbSNP rs181719686, ClinGen allele CA8224782.